The following is an entry in ClinVar:

ClinVar aggregate classification (germline): Uncertain significance (1 of 4 stars; one submission).

Conditions:
Hereditary cancer-predisposing syndrome. Also called: Neoplastic Syndromes, Hereditary; Tumor predisposition; Hereditary neoplastic syndrome; Hereditary Cancer Syndrome. Identifiers: Orphanet 140162, MedGen C0027672, MeSH D009386, MONDO:0015356.

Submission:

Ambry Genetics
Classification: Uncertain significance for Hereditary cancer-predisposing syndrome. Last evaluated: 2024-04-27. Review status: criteria provided, single submitter. Criteria: Ambry Variant Classification Scheme 2023. Collection method: clinical testing. Allele origin: germline.
Comment: The p.I482M variant (also known as c.1446A>G), located in coding exon 9 of the RAD50 gene, results from an A to G substitution at nucleotide position 1446. The isoleucine at codon 482 is replaced by methionine, an amino acid with highly similar properties. This amino acid position is conserved. In addition, this alteration is predicted to be tolerated by in silico analysis. Based on the available evidence, the clinical significance of this variant remains unclear.

NM_005732.4(RAD50):c.1446A>G (p.Ile482Met)

Gene: RAD50 (RAD50 double strand break repair protein; plus strand). Cytogenetic location: 5q31.1.
Variant type: single nucleotide variant.
Coding change: c.1446A>G on transcript NM_005732.4 (MANE Select); coding-DNA position 1446, A replaced by G.
Protein change: p.Ile482Met; replaces isoleucine 482 with methionine.
Molecular consequence: missense variant.
Genome position (GRCh38, 1-based): chr5:132,589,831, A>G. VCF-style: chr5-132589831-A-G. GRCh37 (hg19) VCF-style: chr5-131925523-A-G.
Other names: short protein forms I482M.
Identifiers: ClinVar variation 3312319 (VCV003312319.1).